The following is an entry in ClinVar:

ClinVar aggregate classification (germline): Likely benign. Review status: criteria provided, multiple submitters, no conflicts (2 of 4 stars). 2 submissions from 2 submitters: Likely benign (2). Last evaluated 2026-03-01.

gnomAD v4.1: 12 of 1,613,346 alleles (0.00074%); highest among the groups gnomAD compares: African/African-American, 0.0013%; no homozygotes.

Submissions (2):

CeGaT Center for Human Genetics Tuebingen
Classification: Likely benign. Last evaluated: 2026-03-01. Review status: criteria provided, single submitter. Criteria: CeGaT Center For Human Genetics Tuebingen Variant Classification Criteria Version 2. Collection method: clinical testing. Allele origin: germline. Affected: yes. Observed: 1 variant allele.
Comment: LONP1: BP4, BP7

Labcorp Genetics (formerly Invitae), Labcorp
Classification: Likely benign. Last evaluated: 2025-07-31. Review status: criteria provided, single submitter. Criteria: Invitae Variant Classification Sherloc (09022015). Collection method: clinical testing. Allele origin: germline.

NM_004793.4(LONP1):c.2304G>A (p.Leu768=)

Gene: LONP1 (lon peptidase 1, mitochondrial; minus strand). Cytogenetic location: 19p13.3.
Variant type: single nucleotide variant.
Coding change: c.2304G>A on transcript NM_004793.4 (MANE Select); coding-DNA position 2304, G replaced by A.
Protein change: p.Leu768=; no amino-acid change (leucine 768 retained).
Molecular consequence: synonymous variant. On other transcripts: non-coding transcript variant (1).
Genome position (GRCh38, 1-based): chr19:5,694,403, C>T on the plus strand (G>A on the coding strand, the complement: LONP1 is on the minus strand). VCF-style: chr19-5694403-C-T. GRCh37 (hg19) VCF-style: chr19-5694414-C-T.
Other names: c.2112G>A, p.Leu704= (NM_001276479.2); c.1716G>A, p.Leu572= (NM_001276480.1).
Identifiers: ClinVar variation 2059897 (VCV002059897.8), dbSNP rs142576092, ClinGen allele CA9114182.